The following is an entry in ClinVar:

NM_024733.5(ZNF665):c.1905C>T (p.Phe635=)

Gene: ZNF665 (zinc finger protein 665; minus strand). Cytogenetic location: 19q13.42.
Variant type: single nucleotide variant.
Coding change: c.1905C>T on transcript NM_024733.5 (MANE Select); coding-DNA position 1905, C replaced by T.
Protein change: p.Phe635=; no amino-acid change (phenylalanine 635 retained).
Molecular consequence: synonymous variant.
Genome position (GRCh38, 1-based): chr19:53,164,585, G>A on the plus strand (C>T on the coding strand, the complement: ZNF665 is on the minus strand). VCF-style: chr19-53164585-G-A. GRCh37 (hg19) VCF-style: chr19-53667838-G-A.
Other names: c.1899C>T, p.Phe633= (NM_001353457.2); c.1989C>T, p.Phe663= (NM_001353458.2); c.1905C>T, p.Phe635= (NM_001353459.2).
Identifiers: ClinVar variation 3026255 (VCV003026255.22), dbSNP rs758952501, ClinGen allele CA9631783.
Genomic context (GRCh38, chr19:53,164,585, plus strand): 5'-TTTGTAAGGTTTGTCTCCAGTATGGACTGCCATATGGGTAGTTAGGGTTGAACGAACACT[G>A]AAGGCTTTCCCACACTCATTACACCTATAAGGTTTTTCTCCAGTGTGAATTCTTCTATGA-3'
Protein context (NP_079009.3, residues 625-645): PYRCNECGKA[Phe635=]SVRSTLTTHM

ClinVar aggregate classification (germline): Likely benign (1 of 4 stars; one submission).

Allele frequency attached by ClinVar (database versions not stated): ExAC 0.00002; gnomAD 0.00009.

Submission:

CeGaT Center for Human Genetics Tuebingen
Classification: Likely benign. Last evaluated: 2024-03-01. Review status: criteria provided, single submitter. Criteria: CeGaT Center For Human Genetics Tuebingen Variant Classification Criteria Version 2. Collection method: clinical testing. Allele origin: germline. Affected: yes. Observed: 1 variant allele.
Comment: ZNF665: BP4, BP7